The following is an entry in ClinVar:

ClinVar aggregate classification (germline): Uncertain significance. Review status: criteria provided, multiple submitters, no conflicts (2 of 4 stars). 2 submissions from 2 submitters: Uncertain significance (2). Last evaluated 2025-01-18.

Allele frequency attached by ClinVar (database versions not stated): gnomAD exomes below 0.00001; gnomAD 0.00001; TOPMed 0.00002.

Submissions (2):

GeneDx
Classification: Uncertain significance. Last evaluated: 2025-01-18. Review status: criteria provided, single submitter. Criteria: GeneDx Variant Classification Process June 2021. Collection method: clinical testing. Allele origin: germline. Affected: yes.
Comment: In silico analysis supports a deleterious effect on splicing; Has not been previously published as pathogenic or benign to our knowledge

Labcorp Genetics (formerly Invitae), Labcorp
Classification: Uncertain significance. Last evaluated: 2022-08-06. Review status: criteria provided, single submitter. Criteria: Invitae Variant Classification Sherloc (09022015). Collection method: clinical testing. Allele origin: germline.
Comment: This sequence change falls in intron 9 of the TRAF3IP1 gene. It does not directly change the encoded amino acid sequence of the TRAF3IP1 protein. It affects a nucleotide within the consensus splice site. This variant is present in population databases (no rsID available, gnomAD 0.008%). This variant has not been reported in the literature in individuals affected with TRAF3IP1-related conditions. ClinVar contains an entry for this variant (Variation ID: 1006502). Variants that disrupt the consensus splice site are a relatively common cause of aberrant splicing (PMID: 17576681, 9536098). Algorithms developed to predict the effect of sequence changes on RNA splicing suggest that this variant may disrupt the consensus splice site. In summary, the available evidence is currently insufficient to determine the role of this variant in disease. Therefore, it has been classified as a Variant of Uncertain Significance.

Literature cited by the submitters: PubMed 17576681 (cited by Labcorp Genetics (formerly Invitae), Labcorp); PubMed 9536098 (cited by Labcorp Genetics (formerly Invitae), Labcorp).

NM_015650.4(TRAF3IP1):c.1261+4A>G

Gene: TRAF3IP1 (TRAF3 interacting protein 1; plus strand). Cytogenetic location: 2q37.3.
Variant type: single nucleotide variant.
Coding change: c.1261+4A>G on transcript NM_015650.4 (MANE Select); 4 bases into the intron after coding-DNA position 1261, A replaced by G.
Molecular consequence: intron variant.
Genome position (GRCh38, 1-based): chr2:238,344,602, A>G. VCF-style: chr2-238344602-A-G. GRCh37 (hg19) VCF-style: chr2-239253243-A-G.
Other names: c.1064-2853A>G (NM_001139490.1).
Identifiers: ClinVar variation 1006502 (VCV001006502.5), dbSNP rs868701636, ClinGen allele CA67992743.